The following is an entry in ClinVar:

ClinVar aggregate classification (germline): Uncertain significance (1 of 4 stars; one submission).

Conditions:
Neurofibromatosis, type 1 (NF1). Also called: VON RECKLINGHAUSEN DISEASE; Neurofibromatosis, type I; NEUROFIBROMATOSIS, TYPE I, SOMATIC; Peripheral type neurofibromatosis. Identifiers: Orphanet 636, MedGen C0027831, MONDO:0018975, OMIM 162200. Disease mechanism: loss of function.

gnomAD v4.1: 1 of 1,539,732 alleles (0.000065%); highest among the groups gnomAD compares: Non-Finnish European, 0.000087%; no homozygotes.

Submission:

Labcorp Genetics (formerly Invitae), Labcorp
Classification: Uncertain significance for Neurofibromatosis, type 1. Last evaluated: 2025-07-21. Review status: criteria provided, single submitter. Criteria: Invitae Variant Classification Sherloc (09022015). Collection method: clinical testing. Allele origin: germline.
Comment: This sequence change replaces phenylalanine, which is neutral and non-polar, with leucine, which is neutral and non-polar, at codon 17 of the NF1 protein (p.Phe17Leu). This variant is not present in population databases (gnomAD no frequency). This variant has not been reported in the literature in individuals affected with NF1-related conditions. ClinVar contains an entry for this variant (Variation ID: 651327). Invitae Evidence Modeling of protein sequence and biophysical properties (such as structural, functional, and spatial information, amino acid conservation, physicochemical variation, residue mobility, and thermodynamic stability) indicates that this missense variant is expected to disrupt NF1 protein function with a positive predictive value of 95%. This variant disrupts the p.Phe17 amino acid residue in NF1. Other variant(s) that disrupt this residue have been determined to be pathogenic (PMID: 31776437). This suggests that this residue is clinically significant, and that variants that disrupt this residue are likely to be disease-causing. In summary, the available evidence is currently insufficient to determine the role of this variant in disease. Therefore, it has been classified as a Variant of Uncertain Significance.

Literature cited by the submitters: PubMed 31776437.

NM_001042492.3(NF1):c.51C>G (p.Phe17Leu)

Genes: MIR4733HG (MIR4733 host gene; minus strand), NF1 (neurofibromin 1; plus strand), LOC111811965 (NF1 (neurofibromin 1) promoter region; plus strand). Cytogenetic location: 17q11.2.
Variant type: single nucleotide variant.
Coding change: c.51C>G on transcript NM_001042492.3 (MANE Select); coding-DNA position 51, C replaced by G.
Protein change: p.Phe17Leu; replaces phenylalanine 17 with leucine.
Molecular consequence: missense variant. On other transcripts: non-coding transcript variant (1).
Genome position (GRCh38, 1-based): chr17:31,095,360, C>G. VCF-style: chr17-31095360-C-G. GRCh37 (hg19) VCF-style: chr17-29422378-C-G.
Other names: c.51C>G, p.Phe17Leu (NM_000267.4, NM_001128147.3); short protein forms F17L.
Identifiers: ClinVar variation 651327 (VCV000651327.6), dbSNP rs1369290988, ClinGen allele CA398979393.